The following is an entry in ClinVar:

NM_012208.4(HARS2):c.503G>A (p.Arg168His)

Gene: HARS2 (histidyl-tRNA synthetase 2, mitochondrial; plus strand). Cytogenetic location: 5q31.3.
Variant type: single nucleotide variant.
Coding change: c.503G>A on transcript NM_012208.4 (MANE Select); coding-DNA position 503, G replaced by A.
Protein change: p.Arg168His; replaces arginine 168 with histidine.
Molecular consequence: missense variant. On other transcripts: intron variant (1).
Genome position (GRCh38, 1-based): chr5:140,695,611, G>A. VCF-style: chr5-140695611-G-A. GRCh37 (hg19) VCF-style: chr5-140075196-G-A.
Other names: c.428G>A, p.Arg143His (NM_001278731.2); c.521G>A, p.Arg174His (NM_001363535.2); c.293G>A, p.Arg98His (NM_001363536.2); c.94-127G>A (NM_001278732.2); short protein forms R168H, R143H, R98H, R174H.
Identifiers: ClinVar variation 505265 (VCV000505265.7), dbSNP rs764476456, ClinGen allele CA3444446.

ClinVar aggregate classification (germline): Uncertain significance. Review status: criteria provided, multiple submitters, no conflicts (2 of 4 stars). 4 submissions from 4 submitters: Uncertain significance (4). Last evaluated 2025-06-07.

Conditions:
Inborn genetic diseases. Identifiers: MedGen C0950123, MeSH D030342.

Allele frequency attached by ClinVar (database versions not stated): gnomAD 0.00001 and 0.00002; TOPMed 0.00004; gnomAD exomes 0.00006 and 0.00001; ExAC 0.00004.

Submissions (4):

Ambry Genetics
Classification: Uncertain significance for Inborn genetic diseases. Last evaluated: 2025-06-07. Review status: criteria provided, single submitter. Criteria: Ambry Variant Classification Scheme 2023. Collection method: clinical testing. Allele origin: germline.

GeneDx
Classification: Uncertain significance. Last evaluated: 2024-07-03. Review status: criteria provided, single submitter. Criteria: GeneDx Variant Classification Process June 2021. Collection method: clinical testing. Allele origin: germline. Affected: yes.
Comment: In silico analysis supports that this missense variant has a deleterious effect on protein structure/function; Has not been previously published as pathogenic or benign to our knowledge; This variant is associated with the following publications: (PMID: 26110843, 25794154, 27397505)

Blueprint Genetics
Classification: Uncertain significance. Last evaluated: 2022-08-31. Review status: criteria provided, single submitter. Criteria: ACMG Guidelines, 2015. Collection method: clinical testing. Allele origin: germline.

Laboratory for Molecular Medicine, Mass General Brigham Personalized Medicine
Classification: Uncertain significance. Last evaluated: 2016-09-11. Review status: criteria provided, single submitter. Criteria: LMM Criteria. Collection method: clinical testing. Allele origin: germline. Observed: 1 variant allele.
Comment: The p.Arg168His variant in HARS2 has not been previously reported in individuals with hearing loss or Perrault syndrome, but has been identified in 4/8654 East Asian chromosomes by the Exome Aggregation Consortium (ExAC; dbSNP rs764476456). Although this variant has been seen in the gene ral population, its frequency is not high enough to rule out a pathogenic role. Computational prediction tools and conservation analyses suggest that this varia nt may impact the protein, though this information is not predictive enough to d etermine pathogenicity. In summary, the clinical significance of the p.Arg168His variant is uncertain.